The following is an entry in ClinVar:

ClinVar aggregate classification (germline): Pathogenic (1 of 4 stars; one submission).

Submission:

Labcorp Genetics (formerly Invitae), Labcorp
Classification: Pathogenic. Last evaluated: 2019-11-18. Review status: criteria provided, single submitter. Criteria: Invitae Variant Classification Sherloc (09022015). Collection method: clinical testing. Allele origin: germline.
Comment: This variant is an out-of-frame deletion of the genomic region encompassing exons 13-22 of the EYS gene. This is expected to create a premature translational stop signal and result in an absent or disrupted protein product. Deletion of exon 13-22 (also known as c.2024-?_3443+?del) has been observed as homozygous in an individual affected with retinitis pigmentosa (PMID: 29159838). Loss-of-function variants in EYS are known to be pathogenic (PMID: 18836446, 20333770). For these reasons, this variant has been classified as Pathogenic.

Literature cited by the submitters: PubMed 29159838.

NC_000006.12:g.(?_64813368)_(65057737_?)del

Gene: EYS (eyes shut homolog; minus strand). Cytogenetic location: 6q12.
Variant type: Deletion.
Identifiers: ClinVar variation 832931 (VCV000832931.1).